The following is an entry in ClinVar:

NM_002692.4(POLE2):c.1539T>G (p.Tyr513Ter)

Gene: POLE2 (DNA polymerase epsilon 2, accessory subunit; minus strand). Cytogenetic location: 14q21.3.
Variant type: single nucleotide variant.
Coding change: c.1539T>G on transcript NM_002692.4 (MANE Select); coding-DNA position 1539, T replaced by G.
Protein change: p.Tyr513Ter; replaces tyrosine 513 with a stop codon.
Molecular consequence: nonsense.
Genome position (GRCh38, 1-based): chr14:49,647,319, A>C on the plus strand (T>G on the coding strand, the complement: POLE2 is on the minus strand). VCF-style: chr14-49647319-A-C. GRCh37 (hg19) VCF-style: chr14-50114037-A-C.
Other names: c.1461T>G, p.Tyr487Ter (NM_001197330.2); c.1536T>G, p.Tyr512Ter (NM_001348384.2); c.1308T>G, p.Tyr436Ter (NM_001348385.2); short protein forms Y487*, Y512*, Y436*, Y513*.
Identifiers: ClinVar variation 4720364 (VCV004720364.1).

ClinVar aggregate classification (germline): Uncertain significance (1 of 4 stars; one submission).

Submission:

Labcorp Genetics (formerly Invitae), Labcorp
Classification: Uncertain significance. Last evaluated: 2025-05-27. Review status: criteria provided, single submitter. Criteria: Invitae Variant Classification Sherloc (09022015). Collection method: clinical testing. Allele origin: germline.
Comment: This sequence change creates a premature translational stop signal (p.Tyr513*) in the POLE2 gene. While this is not anticipated to result in nonsense mediated decay, it is expected to disrupt the last 15 amino acid(s) of the POLE2 protein. This variant is not present in population databases (gnomAD no frequency). This variant has not been reported in the literature in individuals affected with POLE2-related conditions. Experimental studies and prediction algorithms are not available or were not evaluated, and the functional significance of this variant is currently unknown. Algorithms developed to predict the effect of sequence changes on RNA splicing suggest that this variant may disrupt the consensus splice site. In summary, the available evidence is currently insufficient to determine the role of this variant in disease. Therefore, it has been classified as a Variant of Uncertain Significance.